The following is an entry in ClinVar:

ClinVar aggregate classification (germline): Uncertain significance (1 of 4 stars; one submission).

Conditions:
Fanconi anemia (FA). Also called: Fanconi's anemia. Identifiers: Orphanet 84, MedGen C0015625, MeSH D005199, MONDO:0019391.

Submission:

Labcorp Genetics (formerly Invitae), Labcorp
Classification: Uncertain significance for Fanconi anemia. Last evaluated: 2022-12-30. Review status: criteria provided, single submitter. Criteria: Invitae Variant Classification Sherloc (09022015). Collection method: clinical testing. Allele origin: germline.
Comment: In summary, the available evidence is currently insufficient to determine the role of this variant in disease. Therefore, it has been classified as a Variant of Uncertain Significance. Advanced modeling of protein sequence and biophysical properties (such as structural, functional, and spatial information, amino acid conservation, physicochemical variation, residue mobility, and thermodynamic stability) performed at Invitae indicates that this missense variant is not expected to disrupt FANCA protein function. This variant has not been reported in the literature in individuals affected with FANCA-related conditions. This variant is not present in population databases (gnomAD no frequency). This sequence change replaces glutamine, which is neutral and polar, with arginine, which is basic and polar, at codon 220 of the FANCA protein (p.Gln220Arg).

NM_000135.4(FANCA):c.659A>G (p.Gln220Arg)

Gene: FANCA (FA complementation group A; minus strand). Cytogenetic location: 16q24.3.
Variant type: single nucleotide variant.
Coding change: c.659A>G on transcript NM_000135.4 (MANE Select); coding-DNA position 659, A replaced by G.
Protein change: p.Gln220Arg; replaces glutamine 220 with arginine.
Molecular consequence: missense variant.
Genome position (GRCh38, 1-based): chr16:89,805,330, T>C on the plus strand (A>G on the coding strand, the complement: FANCA is on the minus strand). VCF-style: chr16-89805330-T-C. GRCh37 (hg19) VCF-style: chr16-89871738-T-C.
Other names: c.659A>G, p.Gln220Arg (NM_001018112.3, NM_001286167.3); c.563A>G, p.Gln188Arg (NM_001351830.2); short protein forms Q188R, Q220R.
Identifiers: ClinVar variation 3020991 (VCV003020991.3), dbSNP rs537435838, ClinGen allele CA397477939.